The following is an entry in ClinVar:

ClinVar aggregate classification (germline): Likely benign (0 of 4 stars; one submission).

Conditions:
PEX6-related disorder. Also called: PEX6-related condition; PEX6-related disorders.

Allele frequency attached by ClinVar (database versions not stated): gnomAD exomes below 0.00001; ExAC 0.00002.
gnomAD v4.1: 6 of 1,611,434 alleles (0.00037%); highest among the groups gnomAD compares: South Asian, 0.0066%; no homozygotes.

Submission:

PreventionGenetics, part of Exact Sciences
Classification: Likely benign for PEX6-related condition. Last evaluated: 2021-06-17. Review status: no assertion criteria provided. Collection method: clinical testing. Allele origin: germline.
Comment: This variant is classified as likely benign based on ACMG/AMP sequence variant interpretation guidelines (Richards et al. 2015 PMID: 25741868, with internal and published modifications).

NM_000287.4(PEX6):c.2300+26G>A

Gene: PEX6 (peroxisomal biogenesis factor 6; minus strand). Cytogenetic location: 6p21.1.
Variant type: single nucleotide variant.
Coding change: c.2300+26G>A on transcript NM_000287.4 (MANE Select); 26 bases into the intron after coding-DNA position 2300, G replaced by A.
Molecular consequence: intron variant.
Genome position (GRCh38, 1-based): chr6:42,966,216, C>T on the plus strand (G>A on the coding strand, the complement: PEX6 is on the minus strand). VCF-style: chr6-42966216-C-T. GRCh37 (hg19) VCF-style: chr6-42933954-C-T.
Other names: c.2036+26G>A (NM_001316313.2).
Identifiers: ClinVar variation 3037182 (VCV003037182.2), dbSNP rs781460706, ClinGen allele CA3811084.
Genomic context (GRCh38, chr6:42,966,216, plus strand): 5'-AATTGACCTCTTGGGCAGCCCCTCCTGCTCCCCAGCCTGCTGCAGCCCCTGATCCACCCA[C>T]CATCCCTTCCAGGCCCCCTGGCCACCTGAGGAAGGTAAGGCTGCACTCAGTGGCTACTGC-3'